The following is an entry in ClinVar:

NM_001330588.2(TPP2):c.1943C>A (p.Ala648Asp)

Gene: TPP2 (tripeptidyl peptidase 2; plus strand). Cytogenetic location: 13q33.1.
Variant type: single nucleotide variant.
Coding change: c.1943C>A on transcript NM_001330588.2 (MANE Select); coding-DNA position 1943, C replaced by A.
Protein change: p.Ala648Asp; replaces alanine 648 with aspartic acid.
Molecular consequence: missense variant. On other transcripts: non-coding transcript variant (1).
Genome position (GRCh38, 1-based): chr13:102,640,299, C>A. VCF-style: chr13-102640299-C-A. GRCh37 (hg19) VCF-style: chr13-103292649-C-A.
Other names: p.Ala648Asp; c.1943C>A, p.Ala648Asp (NM_001367947.1, NM_003291.4); short protein forms A648D.
Identifiers: ClinVar variation 1040059 (VCV001040059.7), dbSNP rs769874271, ClinGen allele CA7037882.

ClinVar aggregate classification (germline): Uncertain significance. Review status: criteria provided, multiple submitters, no conflicts (2 of 4 stars). 2 submissions from 2 submitters: Uncertain significance (2). Last evaluated 2024-05-28.

Conditions:
Evans syndrome, immunodeficiency, and premature immunosenescence associated with tripeptidyl-peptidase II deficiency. Identifiers: MedGen CN231723. Disease mechanism: loss of function.

Allele frequency attached by ClinVar (database versions not stated): gnomAD 0.00001; TOPMed 0.00002.
gnomAD v4.1: 32 of 1,611,810 alleles (0.002%); highest among the groups gnomAD compares: Admixed American, 0.025%; no homozygotes.

Submissions (2):

Mayo Clinic Laboratories, Mayo Clinic
Classification: Uncertain significance. Last evaluated: 2024-05-28. Review status: criteria provided, single submitter. Criteria: ACMG Guidelines, 2015. Collection method: clinical testing. Allele origin: germline. Observed: 1 variant allele.
Comment: BP4

Labcorp Genetics (formerly Invitae), Labcorp
Classification: Uncertain significance for Evans syndrome, immunodeficiency, and premature immunosenescence associated with tripeptidyl-peptidase II deficiency. Last evaluated: 2022-08-31. Review status: criteria provided, single submitter. Criteria: Invitae Variant Classification Sherloc (09022015). Collection method: clinical testing. Allele origin: germline.
Comment: This sequence change replaces alanine, which is neutral and non-polar, with aspartic acid, which is acidic and polar, at codon 648 of the TPP2 protein (p.Ala648Asp). This variant is present in population databases (rs769874271, gnomAD 0.04%). This variant has not been reported in the literature in individuals affected with TPP2-related conditions. ClinVar contains an entry for this variant (Variation ID: 1040059). Algorithms developed to predict the effect of missense changes on protein structure and function (SIFT, PolyPhen-2, Align-GVGD) all suggest that this variant is likely to be tolerated. Algorithms developed to predict the effect of sequence changes on RNA splicing suggest that this variant may disrupt the consensus splice site. In summary, the available evidence is currently insufficient to determine the role of this variant in disease. Therefore, it has been classified as a Variant of Uncertain Significance.